The following is an entry in ClinVar:

NM_001201543.2(FAM161A):c.1137T>G (p.Tyr379Ter)

Gene: FAM161A (FAM161 centrosomal protein A; minus strand). Cytogenetic location: 2p15.
Variant type: single nucleotide variant.
Coding change: c.1137T>G on transcript NM_001201543.2 (MANE Select); coding-DNA position 1137, T replaced by G.
Protein change: p.Tyr379Ter; replaces tyrosine 379 with a stop codon.
Molecular consequence: nonsense. On other transcripts: non-coding transcript variant (1).
Genome position (GRCh38, 1-based): chr2:61,839,867, A>C on the plus strand (T>G on the coding strand, the complement: FAM161A is on the minus strand). VCF-style: chr2-61839867-A-C. GRCh37 (hg19) VCF-style: chr2-62067002-A-C.
Other names: c.1137T>G, p.Tyr379Ter (NM_032180.3); short protein forms Y379*.
Identifiers: ClinVar variation 2811260 (VCV002811260.3), dbSNP rs2466024671, ClinGen allele CA346987309.
Genomic context (GRCh38, chr2:61,839,867, plus strand): 5'-AGGCAGAGGAGATGAGTTCTGTAAATGCTCCTGGGCTCTCAGCTGTGTCCTAAGGTTTCG[A>C]TAGAGCTCTTCTTCTTTTAACTTGTCATTGGTAGTTGAACCATAAGTAGATCGAGGAATG-3'

ClinVar aggregate classification (germline): Pathogenic (1 of 4 stars; one submission).

Submission:

Labcorp Genetics (formerly Invitae), Labcorp
Classification: Pathogenic. Last evaluated: 2022-11-01. Review status: criteria provided, single submitter. Criteria: Invitae Variant Classification Sherloc (09022015). Collection method: clinical testing. Allele origin: germline.
Comment: For these reasons, this variant has been classified as Pathogenic. This variant has not been reported in the literature in individuals affected with FAM161A-related conditions. This variant is not present in population databases (gnomAD no frequency). This sequence change creates a premature translational stop signal (p.Tyr379*) in the FAM161A gene. It is expected to result in an absent or disrupted protein product. Loss-of-function variants in FAM161A are known to be pathogenic (PMID: 20705278, 20705279, 24651477).

Literature cited by the submitters: PubMed 20705278; PubMed 20705279; PubMed 24651477.